The following is an entry in ClinVar:

NM_001369268.1(ACAN):c.7574C>A (p.Thr2525Asn)

Gene: ACAN (aggrecan; plus strand). Cytogenetic location: 15q26.1.
Variant type: single nucleotide variant.
Coding change: c.7574C>A on transcript NM_001369268.1 (MANE Select); coding-DNA position 7574, C replaced by A.
Protein change: p.Thr2525Asn; replaces threonine 2525 with asparagine.
Molecular consequence: missense variant. On other transcripts: intron variant (1).
Genome position (GRCh38, 1-based): chr15:88,873,968, C>A. VCF-style: chr15-88873968-C-A. GRCh37 (hg19) VCF-style: chr15-89417199-C-A.
Other names: c.7346C>A, p.Thr2449Asn (NM_001411096.1); c.7460C>A, p.Thr2487Asn (NM_001411097.1, NM_013227.4); c.7220-437C>A (NM_001135.4); short protein forms T2449N, T2487N, T2525N.
Identifiers: ClinVar variation 4806652 (VCV004806652.1).

ClinVar aggregate classification (germline): Uncertain significance (1 of 4 stars; one submission).

gnomAD v4.1: 2 of 1,613,324 alleles (0.00012%); highest among the groups gnomAD compares: African/African-American, 0.0013%; no homozygotes.

Submission:

Labcorp Genetics (formerly Invitae), Labcorp
Classification: Uncertain significance. Last evaluated: 2025-05-11. Review status: criteria provided, single submitter. Criteria: Invitae Variant Classification Sherloc (09022015). Collection method: clinical testing. Allele origin: germline.
Comment: This sequence change replaces threonine, which is neutral and polar, with asparagine, which is neutral and polar, at codon 2487 of the ACAN protein (p.Thr2487Asn). This variant is not present in population databases (gnomAD no frequency). This variant has not been reported in the literature in individuals affected with ACAN-related conditions. An algorithm developed to predict the effect of missense changes on protein structure and function (PolyPhen-2) suggests that this variant is likely to be disruptive. In summary, the available evidence is currently insufficient to determine the role of this variant in disease. Therefore, it has been classified as a Variant of Uncertain Significance.